The following is an entry in ClinVar:

NM_001039958.2(MESP2):c.288del (p.Leu97fs)

Genes: MESP2 (mesoderm posterior bHLH transcription factor 2; plus strand), LOC130057891 (ATAC-STARR-seq lymphoblastoid silent region 6806; plus strand). Cytogenetic location: 15q26.1.
Variant type: Deletion.
Coding change: c.288del on transcript NM_001039958.2 (MANE Select); coding-DNA position 288, one base deleted (G; older notation c.288delG).
Protein change: p.Leu97fs; shifts the reading frame from leucine 97.
Molecular consequence: frameshift variant.
Genome position (GRCh38, 1-based): chr15:89,776,645, G deleted. VCF-style (leftmost placement, unchanged base first): chr15-89776644-CG-C. GRCh37 (hg19) VCF-style: chr15-90319875-CG-C.
Other names: c.288del (NM_001039958.1); short protein forms L97fs.
Identifiers: ClinVar variation 2815183 (VCV002815183.4), dbSNP rs2505185579, ClinGen allele CA2575831328.

ClinVar aggregate classification (germline): Pathogenic/Likely pathogenic. Review status: criteria provided, multiple submitters, no conflicts (2 of 4 stars). 2 submissions from 2 submitters: Pathogenic (1); Likely pathogenic (1). Last evaluated 2024-12-08.

Conditions:
Spondylocostal dysostosis 2, autosomal recessive (SCDO2). Also called: MESP2-Related Spondylocostal Dysostosis, Autosomal Recessive; Spondylocostal dysostosis type 2. Identifiers: Orphanet 2311, MedGen C1837549, MONDO:0012097, OMIM 608681.

Submissions (2):

Natera, Inc.
Classification: Likely pathogenic for Spondylocostal dysostosis type 2. Last evaluated: 2024-12-08. Review status: criteria provided, single submitter. Criteria: Natera Variant Classification Schema (03/2026). Collection method: clinical testing. Allele origin: germline.
Comment: The c.288del variant in MESP2 is a frameshift variant predicted to shift the reading frame beginning at codon 97 and leads to a stop codon 23 codons downstream. This variant is expected to result in nonsense mediated decay, truncation, or a dysfunctional protein product. This variant is rare in the general population with a frequency below the threshold expected for the associated phenotype(s). Given the available evidence, this variant is classified as Likely Pathogenic.

Labcorp Genetics (formerly Invitae), Labcorp
Classification: Pathogenic. Last evaluated: 2022-11-19. Review status: criteria provided, single submitter. Criteria: Invitae Variant Classification Sherloc (09022015). Collection method: clinical testing. Allele origin: germline.
Comment: For these reasons, this variant has been classified as Pathogenic. This variant has not been reported in the literature in individuals affected with MESP2-related conditions. This variant is not present in population databases (gnomAD no frequency). This sequence change creates a premature translational stop signal (p.Leu97Trpfs*23) in the MESP2 gene. It is expected to result in an absent or disrupted protein product. Loss-of-function variants in MESP2 are known to be pathogenic (PMID: 9242490, 18485326).

Literature cited by the submitters: PubMed 9242490 (cited by Labcorp Genetics (formerly Invitae), Labcorp); PubMed 18485326 (cited by Labcorp Genetics (formerly Invitae), Labcorp).